The following is an entry in ClinVar:

NM_024009.3(GJB3):c.61G>A (p.Gly21Arg)

Gene: GJB3 (gap junction protein beta 3; plus strand). Cytogenetic location: 1p34.3.
Variant type: single nucleotide variant.
Coding change: c.61G>A on transcript NM_024009.3 (MANE Select); coding-DNA position 61, G replaced by A.
Protein change: p.Gly21Arg; replaces glycine 21 with arginine.
Molecular consequence: missense variant.
Genome position (GRCh38, 1-based): chr1:34,784,823, G>A. VCF-style: chr1-34784823-G-A. GRCh37 (hg19) VCF-style: chr1-35250424-G-A.
Other names: c.61G>A, p.Gly21Arg (NM_001005752.2); short protein forms G21R.
Identifiers: ClinVar variation 875776 (VCV000875776.43), dbSNP rs749654470, ClinGen allele CA754732.
Genomic context (GRCh38, chr1:34,784,823, plus strand): 5'-ATGGACTGGAAGACACTCCAGGCCCTACTGAGCGGTGTGAACAAGTACTCCACAGCGTTC[G>A]GGCGCATCTGGCTGTCCGTGGTGTTCGTCTTCCGGGTGCTGGTATACGTGGTGGCTGCAG-3'
Protein context (NP_076872.1, residues 11-31): SGVNKYSTAF[Gly21Arg]RIWLSVVFVF

ClinVar aggregate classification (germline): Conflicting classifications of pathogenicity. Review status: criteria provided, conflicting classifications (1 of 4 stars). 6 submissions from 6 submitters: Uncertain significance (5); Benign (1). Last evaluated 2026-08-11.

Conditions:
Erythrokeratodermia variabilis et progressiva 1 (EKVP1). Also called: ERYTHROKERATODERMIA VARIABILIS WITH ERYTHEMA GYRATUM REPENS; ERYTHROKERATODERMIA, PROGRESSIVE SYMMETRIC; ERYTHROKERATODERMIA FIGURATA, CONGENITAL FAMILIAL, IN PLAQUES. Identifiers: Orphanet 317, MedGen C4551486, MONDO:0033010, OMIM 133200.
Inborn genetic diseases. Identifiers: MedGen C0950123, MeSH D030342.
GJB3-related disorder. Also called: GJB3-related condition.

Allele frequency attached by ClinVar (database versions not stated): gnomAD 0.00001; TOPMed 0.00002; gnomAD exomes 0.00004; ExAC 0.00006.
gnomAD v4.1: 51 of 1,614,082 alleles (0.0032%); highest among the groups gnomAD compares: South Asian, 0.019%; no homozygotes.

Submissions (6):

PreventionGenetics, part of Exact Sciences
Classification: Uncertain significance for GJB3-related condition. Last evaluated: 2026-08-11. Review status: criteria provided, single submitter. Criteria: ACMG Guidelines, 2015. Collection method: clinical testing. Allele origin: germline.
Comment: The GJB3 c.61G>A variant is predicted to result in the amino acid substitution p.Gly21Arg. This variant has been reported in an individual with hearing loss, who had also two variants in USH2A gene that were assumed to be causative (J406, Table 1 & supplement, Gu et al. 2014. PubMed ID: 24853665). This variant is reported in 0.013% of alleles in individuals of South Asian descent in gnomAD. At this time, the clinical significance of this variant is uncertain due to the absence of conclusive functional and genetic evidence.

Women's Health and Genetics/Laboratory Corporation of America, LabCorp
Classification: Uncertain significance. Last evaluated: 2025-02-24. Review status: criteria provided, single submitter. Criteria: LabCorp Variant Classification Summary - May 2015. Collection method: clinical testing. Allele origin: germline.
Comment: Variant summary: GJB3 c.61G>A (p.Gly21Arg) results in a non-conservative amino acid change located in the Connexin, N-terminal domain (IPR013092) of the encoded protein sequence. Five of five in-silico tools predict a damaging effect of the variant on protein function. The variant allele was found at a frequency of 4.4e-05 in 251380 control chromosomes. This frequency is not significantly higher than estimated for a pathogenic variant in GJB3 causing GJB3-Related Disorders, allowing no conclusion about variant significance. c.61G>A has been reported in the literature in an individual affected with non-syndromic hearing loss who also harbored biallelic variants in USH2A (Gu_2014). This report does not provide unequivocal conclusions about association of the variant with GJB3-Related Disorders. To our knowledge, no experimental evidence demonstrating an impact on protein function has been reported. The following publication has been ascertained in the context of this evaluation (PMID: 24853665). ClinVar contains an entry for this variant (Variation ID: 875776). Based on the evidence outlined above, the variant was classified as uncertain significance.

Ambry Genetics
Classification: Uncertain significance for Inborn genetic diseases. Last evaluated: 2024-06-18. Review status: criteria provided, single submitter. Criteria: Ambry Variant Classification Scheme 2023. Collection method: clinical testing. Allele origin: germline.

GeneDx
Classification: Uncertain significance. Last evaluated: 2024-01-02. Review status: criteria provided, single submitter. Criteria: GeneDx Variant Classification Process June 2021. Collection method: clinical testing. Allele origin: germline. Affected: yes.
Comment: In silico analysis supports that this missense variant has a deleterious effect on protein structure/function; Has not been previously published as pathogenic or benign to our knowledge

CeGaT Center for Human Genetics Tuebingen
Classification: Uncertain significance. Last evaluated: 2021-07-01. Review status: criteria provided, single submitter. Criteria: CeGaT Center For Human Genetics Tuebingen Variant Classification Criteria Version 2. Collection method: clinical testing. Allele origin: germline. Affected: yes. Observed: 1 variant allele.

Illumina Laboratory Services, Illumina
Classification: Benign for Erythrokeratodermia variabilis et progressiva 1. Last evaluated: 2017-08-31. Review status: criteria provided, single submitter. Criteria: ICSL Variant Classification Criteria 13 December 2019. Collection method: clinical testing. Allele origin: germline.
Comment: This variant was observed as part of a predisposition screen in an ostensibly healthy population. A literature search was performed for the gene, cDNA change, and amino acid change (where applicable). No publications were found based on this search. Allele frequency data from public databases was too high to be consistent with this variant causing disease. Therefore, this variant is classified as benign.

Literature cited by the submitters: PubMed 24853665 (cited by Women's Health and Genetics/Laboratory Corporation of America, LabCorp).